The following is an entry in ClinVar:

ClinVar aggregate classification (germline): Uncertain significance (1 of 4 stars; one submission).

Submission:

Dasa
Classification: Uncertain significance. Last evaluated: 2026-07-21. Review status: criteria provided, single submitter. Criteria: DASA Assertion Criteria. Collection method: clinical testing. Allele origin: germline.
Comment: NM_001024383.2(NAV3):c.163C>T (p.Gln55*) is a nonsense variant in NAV3 predicted to introduce a premature termination codon. This variant is absent from population databases. The currently available literature and clinical evidence are not sufficient to establish a definitive association between this variant and the reported condition. Therefore, this variant is classified as a variant of uncertain significance.

NM_001024383.2(NAV3):c.163C>T (p.Gln55Ter)

Gene: NAV3 (neuron navigator 3; plus strand). Cytogenetic location: 12q21.2.
Variant type: single nucleotide variant.
Coding change: c.163C>T on transcript NM_001024383.2 (MANE Select); coding-DNA position 163, C replaced by T.
Protein change: p.Gln55Ter; replaces glutamine 55 with a stop codon.
Molecular consequence: nonsense.
Genome position (GRCh38, 1-based): chr12:77,831,624, C>T. VCF-style: chr12-77831624-C-T. GRCh37 (hg19) VCF-style: chr12-78225404-C-T.
Other names: c.163C>T, p.Gln55Ter (NM_014903.6); short protein forms Q55*.
Identifiers: ClinVar variation 5020163 (VCV005020163.1).
Genomic context (GRCh38, chr12:77,831,624, plus strand): 5'-CAGCACTGTTCTTCAAGACCTTTGGAACTTACTGAAACAGAGAGCTCCATGCTTTCTTGT[C>T]AGCTTGCGTTAAAATCAACCTGTGAATTTGGAGAGAAGAAACCCCTCCAAGGAAAAGCCA-3'